The following is an entry in ClinVar:

ClinVar aggregate classification (germline): Uncertain significance (1 of 4 stars; one submission).

gnomAD v4.1: 33 of 1,603,514 alleles (0.0021%); highest among the groups gnomAD compares: Non-Finnish European, 0.0027%; no homozygotes.

Submission:

Labcorp Genetics (formerly Invitae), Labcorp
Classification: Uncertain significance. Last evaluated: 2025-11-03. Review status: criteria provided, single submitter. Criteria: Invitae Variant Classification Sherloc (09022015). Collection method: clinical testing. Allele origin: germline.
Comment: This sequence change replaces glutamine, which is neutral and polar, with arginine, which is basic and polar, at codon 753 of the PACS2 protein (p.Gln753Arg). This variant is not present in population databases (gnomAD no frequency). This variant has not been reported in the literature in individuals affected with PACS2-related conditions. An algorithm developed to predict the effect of missense changes on protein structure and function (PolyPhen-2) suggests that this variant is likely to be tolerated. In summary, the available evidence is currently insufficient to determine the role of this variant in disease. Therefore, it has been classified as a Variant of Uncertain Significance.

NM_001100913.3(PACS2):c.2258A>G (p.Gln753Arg)

Gene: PACS2 (phosphofurin acidic cluster sorting protein 2; plus strand). Cytogenetic location: 14q32.33.
Variant type: single nucleotide variant.
Coding change: c.2258A>G on transcript NM_001100913.3 (MANE Select); coding-DNA position 2258, A replaced by G.
Protein change: p.Gln753Arg; replaces glutamine 753 with arginine.
Molecular consequence: missense variant.
Genome position (GRCh38, 1-based): chr14:105,392,621, A>G. VCF-style: chr14-105392621-A-G. GRCh37 (hg19) VCF-style: chr14-105858958-A-G.
Other names: c.1988A>G, p.Gln663Arg (NM_001243127.3); c.2213A>G, p.Gln738Arg (NM_015197.4); short protein forms Q663R, Q738R, Q753R.
Identifiers: ClinVar variation 4777698 (VCV004777698.1).